The following is an entry in ClinVar:

NM_000372.5(TYR):c.841del (p.Glu281fs)

Gene: TYR (tyrosinase; plus strand). Cytogenetic location: 11q14.3.
Variant type: Deletion.
Coding change: c.841del on transcript NM_000372.5 (MANE Select); coding-DNA position 841, one base deleted (G; older notation c.841delG).
Protein change: p.Glu281fs; shifts the reading frame from glutamic acid 281.
Molecular consequence: frameshift variant.
Genome position (GRCh38, 1-based): chr11:89,191,223, G deleted; the last of 2 consecutive G bases (chr11:89,191,222-89,191,223); deleting either gives the same sequence. VCF-style (leftmost placement, unchanged base first): chr11-89191221-AG-A. GRCh37 (hg19) VCF-style: chr11-88924389-AG-A.
Other names: short protein forms E281fs.
Identifiers: ClinVar variation 99584 (VCV000099584.3), dbSNP rs281865526, ClinGen allele CA227594.

ClinVar aggregate classification (germline): Pathogenic. Review status: criteria provided, multiple submitters, no conflicts (2 of 4 stars). 3 submissions from 3 submitters: Pathogenic (2). 1 of the submissions does not count toward it. Last evaluated 2025-11-18.

Conditions:
TYR-related disorder. Also called: TYR-related condition.
SKIN/HAIR/EYE PIGMENTATION 3, LIGHT/DARK SKIN (SHEP3). Also called: SKIN/HAIR/EYE PIGMENTATION 3, BLUE/GREEN EYE COLOR; SKIN/HAIR/EYE PIGMENTATION 3, FRECKLING; SKIN/HAIR/EYE PIGMENTATION, VARIATION IN, 3; EYE COLOR 1; EYE COLOR, GREEN/BLUE. Identifiers: MedGen C2677190, OMIM 601800.

Submissions (3):

PreventionGenetics, part of Exact Sciences
Classification: Pathogenic for TYR-related condition. Last evaluated: 2025-11-18. Review status: criteria provided, single submitter. Criteria: ACMG Guidelines, 2015. Collection method: clinical testing. Allele origin: germline.
Comment: The TYR c.841delG variant is predicted to result in a frameshift and premature protein termination (p.Glu281Serfs*38). This variant has been reported in the homozygous state in an individual with oculocutaneous albinism (Passmore et al. 1999. PubMed ID: 10987646). This variant is absent in a large population database (gnomAD), indicating this variant is rare. Frameshift variants in TYR are an established mechanism of disease. This variant is interpreted as pathogenic.

Baylor Genetics
Classification: Pathogenic for SKIN/HAIR/EYE PIGMENTATION 3, LIGHT/DARK SKIN. Last evaluated: 2024-03-05. Review status: criteria provided, single submitter. Criteria: ACMG Guidelines, 2015. Collection method: clinical testing. Allele origin: unknown.

Retina International
No classification provided. Review status: no classification provided. Collection method: not provided. Allele origin: not provided. Not counted in ClinVar's aggregate classification.